The following is an entry in ClinVar:

ClinVar aggregate classification (germline): Pathogenic (1 of 4 stars; one submission).

Conditions:
Methylmalonic aciduria due to methylmalonyl-CoA mutase deficiency (MAMM). Also called: Methylmalonic aciduria, mut type. Identifiers: Orphanet 27, MedGen C1855114, MONDO:0009612, OMIM 251000.

Submission:

Myriad Genetics, Inc.
Classification: Pathogenic for Methylmalonic aciduria due to methylmalonyl-CoA mutase deficiency. Last evaluated: 2023-10-13. Review status: criteria provided, single submitter. Criteria: Myriad Autosomal Dominant, Autosomal Recessive and X-Linked Classification Criteria (2023). Collection method: clinical testing. Allele origin: unknown.
Comment: NM_000255.3(MMUT):c.1466_1470del5(V489Efs*16) is expected to be pathogenic in the context of methylmalonic acidemia, MMUT-related. This variant is predicted to lead to an abnormal or absent protein product due to the creation of a premature termination codon in MMUT, a gene where loss-of-function variants are known to be pathogenic. Please note: this variant was assessed in the context of healthy population screening.

NM_000255.4(MMUT):c.1466_1470del (p.Val489fs)

Gene: MMUT (methylmalonyl-CoA mutase; minus strand). Cytogenetic location: 6p12.3.
Variant type: Deletion.
Coding change: c.1466_1470del on transcript NM_000255.4 (MANE Select); coding-DNA positions 1466 to 1470, 5 bases deleted (TAAAT; older notation c.1466_1470delTAAAT).
Protein change: p.Val489fs; shifts the reading frame from valine 489.
Molecular consequence: frameshift variant.
Genome position (GRCh38, 1-based): chr6:49,447,760-49,447,764, ATTTA deleted on the plus strand (TAAAT on the coding strand, the reverse complement: MMUT is on the minus strand). VCF-style (leftmost placement, unchanged base first): chr6-49447759-TATTTA-T. GRCh37 (hg19) VCF-style: chr6-49415472-TATTTA-T.
Other names: short protein forms V489fs.
Identifiers: ClinVar variation 5012387 (VCV005012387.1).
Genomic context (GRCh38, chr6:49,447,759, plus strand): 5'-GCACTGAAGTATTATCAATTGCCAGAACTTCTACAGCGTCTTCTTTTTCCAACTGGTACT[TATTTA>T]CTCCAACAATTACTTCAGAACCTGGTAATTTCCCAAAGAAAAATTTTATTCACAAATAAT-3'